The following is an entry in ClinVar:

NM_001365536.1(SCN9A):c.3174A>T (p.Lys1058Asn)

Genes: SCN9A (sodium voltage-gated channel alpha subunit 9; minus strand), SCN1A-AS1 (SCN1A and SCN9A antisense RNA 1; plus strand). Cytogenetic location: 2q24.3.
Variant type: single nucleotide variant.
Coding change: c.3174A>T on transcript NM_001365536.1 (MANE Select); coding-DNA position 3174, A replaced by T.
Protein change: p.Lys1058Asn; replaces lysine 1058 with asparagine.
Molecular consequence: missense variant.
Genome position (GRCh38, 1-based): chr2:166,272,576, T>A on the plus strand (A>T on the coding strand, the complement: SCN9A is on the minus strand). VCF-style: chr2-166272576-T-A. GRCh37 (hg19) VCF-style: chr2-167129086-T-A.
Other names: c.3141A>T, p.Lys1047Asn (NM_002977.4); short protein forms K1058N, K1047N.
Identifiers: ClinVar variation 1411563 (VCV001411563.6), dbSNP rs2106460626, ClinGen allele CA349073397.

ClinVar aggregate classification (germline): Uncertain significance (1 of 4 stars; one submission).

Conditions:
Generalized epilepsy with febrile seizures plus, type 7 (GEFSP7). Also called: GEFS+, TYPE 7. Identifiers: Orphanet 36387, MedGen C2751778, MONDO:0013470, OMIM 613863.
Neuropathy, hereditary sensory and autonomic, type 2A (HSAN2A). Also called: WNK1-Related HSAN2 (HSAN2A); MORVAN DISEASE; NEUROPATHY, CONGENITAL SENSORY; NEUROPATHY, HEREDITARY SENSORY RADICULAR, AUTOSOMAL RECESSIVE; NEUROPATHY, HEREDITARY SENSORY, TYPE IIA; NEUROPATHY, PROGRESSIVE SENSORY, OF CHILDREN. Identifiers: Orphanet 970, MedGen C2752089, MONDO:0024309, OMIM 201300.

Submission:

Labcorp Genetics (formerly Invitae), Labcorp
Classification: Uncertain significance for Neuropathy, hereditary sensory and autonomic, type 2A; Generalized epilepsy with febrile seizures plus, type 7. Last evaluated: 2022-02-24. Review status: criteria provided, single submitter. Criteria: Invitae Variant Classification Sherloc (09022015). Collection method: clinical testing. Allele origin: germline.
Comment: This variant is not present in population databases (gnomAD no frequency). In summary, the available evidence is currently insufficient to determine the role of this variant in disease. Therefore, it has been classified as a Variant of Uncertain Significance. Algorithms developed to predict the effect of missense changes on protein structure and function (SIFT, PolyPhen-2, Align-GVGD) all suggest that this variant is likely to be tolerated. This variant has not been reported in the literature in individuals affected with SCN9A-related conditions. This sequence change replaces lysine, which is basic and polar, with asparagine, which is neutral and polar, at codon 1047 of the SCN9A protein (p.Lys1047Asn).